The following is an entry in ClinVar:

NM_000492.4(CFTR):c.2769C>T (p.Ala923=)

Gene: CFTR (CF transmembrane conductance regulator; plus strand). Cytogenetic location: 7q31.2.
Variant type: single nucleotide variant.
Coding change: c.2769C>T on transcript NM_000492.4 (MANE Select); coding-DNA position 2769, C replaced by T.
Protein change: p.Ala923=; no amino-acid change (alanine 923 retained).
Molecular consequence: synonymous variant.
Genome position (GRCh38, 1-based): chr7:117,603,643, C>T. VCF-style: chr7-117603643-C-T. GRCh37 (hg19) VCF-style: chr7-117243697-C-T.
Identifiers: ClinVar variation 93150 (VCV000093150.26), dbSNP rs1800108, ClinGen allele CA221014.
Genomic context (GRCh38, chr7:117,603,643, plus strand): 5'-TGCAGTGATTATCACCAGCACCAGTTCGTATTATGTGTTTTACATTTACGTGGGAGTAGC[C>T]GACACTTTGCTTGCTATGGGATTCTTCAGAGGTCTACCACTGGTGCATACTCTAATCACA-3'
Protein context (NP_000483.3, residues 913-933): YYVFYIYVGV[Ala923=]DTLLAMGFFR

ClinVar aggregate classification (germline): Conflicting classifications of pathogenicity. Review status: criteria provided, conflicting classifications (1 of 4 stars). 10 submissions from 9 submitters: Uncertain significance (2); Likely benign (6). 2 of the submissions do not count toward it. Last evaluated 2026-07-08.

Conditions:
CFTR-related disorder (CFTR-RD). Also called: CFTR-related disorders; CFTR-related condition. Identifiers: MedGen C5924204, MONDO:7770004.
Congenital bilateral aplasia of vas deferens from CFTR mutation (CBAVD). Identifiers: Orphanet 48, MedGen C0403814, MONDO:0010178, OMIM 277180. Disease mechanism: loss of function.
Cystic fibrosis (CF). Also called: MUCOVISCIDOSIS. Identifiers: Orphanet 586, MedGen C0010674, MONDO:0009061, OMIM 219700. Disease mechanism: loss of function.

Allele frequency attached by ClinVar (database versions not stated): gnomAD 0.00005 and 0.00006; gnomAD exomes 0.00010 and 0.00005; ExAC 0.00004; TOPMed 0.00004.
gnomAD v4.1: 151 of 1,613,900 alleles (0.0094%); highest among the groups gnomAD compares: Non-Finnish European, 0.012%; no homozygotes.

Submissions (10):

Ambry Genetics
Classification: Likely benign for Cystic fibrosis. Last evaluated: 2026-07-08. Review status: criteria provided, single submitter. Criteria: Ambry Variant Classification Scheme 2023. Collection method: clinical testing. Allele origin: germline.

Labcorp Genetics (formerly Invitae), Labcorp
Classification: Likely benign for Cystic fibrosis. Last evaluated: 2025-12-01. Review status: criteria provided, single submitter. Criteria: Invitae Variant Classification Sherloc (09022015). Collection method: clinical testing. Allele origin: germline.

Blueprint Genetics
Classification: Likely benign. Last evaluated: 2024-04-26. Review status: criteria provided, single submitter. Criteria: ACMG Guidelines, 2015. Collection method: clinical testing. Allele origin: germline.

ARUP Laboratories, Molecular Genetics and Genomics, ARUP Laboratories
Classification: Likely benign. Last evaluated: 2022-08-22. Review status: criteria provided, single submitter. Criteria: ARUP Molecular Germline Variant Investigation Process 2021. Collection method: clinical testing. Allele origin: germline.

Genome-Nilou Lab
Classification: Likely benign for Cystic fibrosis. Last evaluated: 2021-07-22. Review status: criteria provided, single submitter. Criteria: ACMG Guidelines, 2015. Collection method: clinical testing. Allele origin: germline. Affected: no.

Genome-Nilou Lab
Classification: Uncertain significance for Congenital bilateral aplasia of vas deferens from CFTR mutation. Last evaluated: 2021-07-22. Review status: criteria provided, single submitter. Criteria: ACMG Guidelines, 2015. Collection method: clinical testing. Allele origin: germline. Affected: no.

Women's Health and Genetics/Laboratory Corporation of America, LabCorp
Classification: Likely benign. Last evaluated: 2020-12-18. Review status: criteria provided, single submitter. Criteria: LabCorp Variant Classification Summary - May 2015. Collection method: clinical testing. Allele origin: germline.

Eurofins Ntd Llc (ga)
Classification: Uncertain significance. Last evaluated: 2017-04-14. Review status: criteria provided, single submitter. Criteria: EGL Classification Definitions 2015. Collection method: clinical testing. Allele origin: germline. Observed: 2 variant alleles, 2 heterozygotes.

PreventionGenetics, part of Exact Sciences
Classification: Likely benign for CFTR-related condition. Last evaluated: 2022-02-22. Review status: no assertion criteria provided. Collection method: clinical testing. Allele origin: germline. Not counted in ClinVar's aggregate classification.
Comment: This variant is classified as likely benign based on ACMG/AMP sequence variant interpretation guidelines (Richards et al. 2015 PMID: 25741868, with internal and published modifications).

Natera, Inc.
Classification: Likely benign for CFTR-related disorders. Last evaluated: 2020-01-21. Review status: no assertion criteria provided. Collection method: clinical testing. Allele origin: germline. Not counted in ClinVar's aggregate classification.

Literature cited by the submitters: PubMed 21131649 (cited by Women's Health and Genetics/Laboratory Corporation of America, LabCorp); PubMed 25735457 (cited by Women's Health and Genetics/Laboratory Corporation of America, LabCorp); PubMed 26847993 (cited by Women's Health and Genetics/Laboratory Corporation of America, LabCorp); PubMed 9067754 (cited by Women's Health and Genetics/Laboratory Corporation of America, LabCorp).